The following is an entry in ClinVar:

ClinVar aggregate classification (germline): Uncertain significance (1 of 4 stars; one submission).

Conditions:
Hereditary cancer-predisposing syndrome. Also called: Hereditary Cancer Syndrome; Hereditary neoplastic syndrome; Neoplastic Syndromes, Hereditary; Tumor predisposition. Identifiers: Orphanet 140162, MedGen C0027672, MeSH D009386, MONDO:0015356.

Submission:

Ambry Genetics
Classification: Uncertain significance for Hereditary cancer-predisposing syndrome. Last evaluated: 2022-02-15. Review status: criteria provided, single submitter. Criteria: Ambry Variant Classification Scheme 2023. Collection method: clinical testing. Allele origin: germline.
Comment: The p.K1498E variant (also known as c.4492A>G), located in coding exon 29 of the ALK gene, results from an A to G substitution at nucleotide position 4492. The lysine at codon 1498 is replaced by glutamic acid, an amino acid with similar properties. This amino acid position is conserved. In addition, this alteration is predicted to be deleterious by in silico analysis. Since supporting evidence is limited at this time, the clinical significance of this alteration remains unclear.

NM_004304.5(ALK):c.4492A>G (p.Lys1498Glu)

Gene: ALK (ALK receptor tyrosine kinase; minus strand). Cytogenetic location: 2p23.2.
Variant type: single nucleotide variant.
Coding change: c.4492A>G on transcript NM_004304.5 (MANE Select); coding-DNA position 4492, A replaced by G.
Protein change: p.Lys1498Glu; replaces lysine 1498 with glutamic acid.
Molecular consequence: missense variant.
Genome position (GRCh38, 1-based): chr2:29,193,595, T>C on the plus strand (A>G on the coding strand, the complement: ALK is on the minus strand). VCF-style: chr2-29193595-T-C. GRCh37 (hg19) VCF-style: chr2-29416461-T-C.
Other names: c.1288A>G, p.Lys430Glu (NM_001353765.2); short protein forms K430E, K1498E.
Identifiers: ClinVar variation 1740977 (VCV001740977.2), dbSNP rs2148138127, ClinGen allele CA346461250.